The following is an entry in ClinVar:

ClinVar aggregate classification (germline): Uncertain significance (1 of 4 stars; one submission).

Allele frequency attached by ClinVar (database versions not stated): gnomAD exomes 0.00002; gnomAD 0.00003; TOPMed 0.00003; ExAC 0.00004; 1000 Genomes Project 30x 0.00016; 1000 Genomes Project 0.00020.
gnomAD v4.1: 15 of 1,611,956 alleles (0.00093%); highest among the groups gnomAD compares: East Asian, 0.013%; no homozygotes.

Submission:

Labcorp Genetics (formerly Invitae), Labcorp
Classification: Uncertain significance. Last evaluated: 2022-06-13. Review status: criteria provided, single submitter. Criteria: Invitae Variant Classification Sherloc (09022015). Collection method: clinical testing. Allele origin: germline.
Comment: In summary, the available evidence is currently insufficient to determine the role of this variant in disease. Therefore, it has been classified as a Variant of Uncertain Significance. Algorithms developed to predict the effect of missense changes on protein structure and function output the following: SIFT: "Tolerated"; PolyPhen-2: "Benign"; Align-GVGD: "Class C0". The valine amino acid residue is found in multiple mammalian species, which suggests that this missense change does not adversely affect protein function. ClinVar contains an entry for this variant (Variation ID: 1053231). This variant has not been reported in the literature in individuals affected with HSPG2-related conditions. This variant is present in population databases (rs531691251, gnomAD 0.02%). This sequence change replaces alanine, which is neutral and non-polar, with valine, which is neutral and non-polar, at codon 2397 of the HSPG2 protein (p.Ala2397Val).

NM_005529.7(HSPG2):c.7190C>T (p.Ala2397Val)

Gene: HSPG2 (heparan sulfate proteoglycan 2; minus strand). Cytogenetic location: 1p36.12.
Variant type: single nucleotide variant.
Coding change: c.7190C>T on transcript NM_005529.7 (MANE Select); coding-DNA position 7190, C replaced by T.
Protein change: p.Ala2397Val; replaces alanine 2397 with valine.
Molecular consequence: missense variant.
Genome position (GRCh38, 1-based): chr1:21,850,467, G>A on the plus strand (C>T on the coding strand, the complement: HSPG2 is on the minus strand). VCF-style: chr1-21850467-G-A. GRCh37 (hg19) VCF-style: chr1-22176960-G-A.
Other names: c.7193C>T, p.Ala2398Val (NM_001291860.2); short protein forms A2397V, A2398V.
Identifiers: ClinVar variation 1053231 (VCV001053231.10), dbSNP rs531691251, ClinGen allele CA671278.
Genomic context (GRCh38, chr1:21,850,467, plus strand): 5'-TCTAGAGGCACGGAGCTGCCCAACACTCGGCACACGTACTCGCCCGAGTCGGCGGGGGAC[G>A]CTTGGTAGAGTCTCAGCAGGGAGCCGTGGGTCTGGCCAGAATGGGGGTGAGTCAGAGGGA-3'
Protein context (NP_005520.4, residues 2387-2407): THGSLLRLYQ[Ala2397Val]SPADSGEYVC